The following is an entry in ClinVar:

ClinVar aggregate classification (germline): Benign. Review status: criteria provided, multiple submitters, no conflicts (2 of 4 stars). 3 submissions from 3 submitters: Benign (3). Last evaluated 2018-08-25.

Conditions:
Autoimmune lymphoproliferative syndrome type 2A (ALPS2A). Also called: CASP10-Related Autoimmune Lymphoproliferative Syndrome; AUTOIMMUNE LYMPHOPROLIFERATIVE SYNDROME, TYPE IIA; Autoimmune lymphoproliferative syndrome type 2. Identifiers: Orphanet 3261, MedGen C1858968, MONDO:0011383, OMIM 603909.

Allele frequency attached by ClinVar (database versions not stated): gnomAD exomes 0.03993; gnomAD 0.10673 and 0.11064; TOPMed 0.11135; 1000 Genomes Project 0.11562; 1000 Genomes Project 30x 0.12133.
gnomAD v4.1: 44,609 of 859,398 alleles (5.2%); highest among the groups gnomAD compares: African/African-American, 28%; 2,876 homozygotes.

Submissions (3):

GeneDx
Classification: Benign. Last evaluated: 2018-08-25. Review status: criteria provided, single submitter. Criteria: GeneDx Variant Classification Process June 2021. Collection method: clinical testing. Allele origin: germline. Affected: yes.

Illumina Laboratory Services, Illumina
Classification: Benign for Autoimmune lymphoproliferative syndrome type 2A. Last evaluated: 2018-01-12. Review status: criteria provided, single submitter. Criteria: ICSL Variant Classification Criteria 13 December 2019. Collection method: clinical testing. Allele origin: germline.
Comment: This variant was observed in the ICSL laboratory as part of a predisposition screen in an ostensibly healthy population. It had not been previously curated by ICSL or reported in the Human Gene Mutation Database (HGMD: prior to June 1st, 2018), and was therefore a candidate for classification through an automated scoring system. Utilizing variant allele frequency, disease prevalence and penetrance estimates, and inheritance mode, an automated score was calculated to assess if this variant is too frequent to cause the disease. Based on the score and internal cut-off values, a variant classified as benign is not then subjected to further curation. The score for this variant resulted in a classification of benign for this disease.

Breakthrough Genomics
Classification: Benign. Review status: criteria provided, single submitter. Criteria: ACMG Guidelines, 2015. Collection method: not provided. Allele origin: germline. Inheritance: Autosomal dominant inheritance. Affected: yes.

NM_032977.4(CASP10):c.*277G>A

Gene: CASP10 (caspase 10; plus strand). Cytogenetic location: 2q33.1.
Variant type: single nucleotide variant.
Coding change: c.*277G>A on transcript NM_032977.4 (MANE Select); 277 bases downstream of the stop codon, G replaced by A.
Molecular consequence: 3 prime UTR variant. On other transcripts: intron variant (2).
Genome position (GRCh38, 1-based): chr2:201,218,018, G>A. VCF-style: chr2-201218018-G-A. GRCh37 (hg19) VCF-style: chr2-202082741-G-A.
Other names: c.*277G>A (NM_001206524.2, NM_001230.5); c.*932G>A (NM_032976.4); c.1415+8456G>A (NM_032974.5); c.1286+8456G>A (NM_001206542.2).
Identifiers: ClinVar variation 333446 (VCV000333446.8), dbSNP rs3931696, ClinGen allele CA10613748.